The following is an entry in ClinVar:

NM_002076.4(GNS):c.961A>G (p.Ile321Val)

Gene: GNS (glucosamine (N-acetyl)-6-sulfatase; minus strand). Cytogenetic location: 12q14.3.
Variant type: single nucleotide variant.
Coding change: c.961A>G on transcript NM_002076.4 (MANE Select); coding-DNA position 961, A replaced by G.
Protein change: p.Ile321Val; replaces isoleucine 321 with valine.
Molecular consequence: missense variant.
Genome position (GRCh38, 1-based): chr12:64,739,414, T>C on the plus strand (A>G on the coding strand, the complement: GNS is on the minus strand). VCF-style: chr12-64739414-T-C. GRCh37 (hg19) VCF-style: chr12-65133194-T-C.
Other names: short protein forms I321V.
Identifiers: ClinVar variation 2068018 (VCV002068018.3), dbSNP rs771918136, ClinGen allele CA6669793.

ClinVar aggregate classification (germline): Uncertain significance. Review status: criteria provided, multiple submitters, no conflicts (2 of 4 stars). 2 submissions from 2 submitters: Uncertain significance (2). Last evaluated 2025-12-08.

Conditions:
Mucopolysaccharidosis, MPS-III-D (MPS3D). Also called: N-ACETYLGLUCOSAMINE-6-SULFATASE DEFICIENCY; SANFILIPPO SYNDROME D; MPS III D; Mucopoly-saccharidosis type 3D; N-acetylglucosamine-6-sulfate sulfatase deficiency; MPS 3D. Identifiers: Orphanet 581, Orphanet 79272, MedGen C0086650, MONDO:0009658, OMIM 252940.
Inborn genetic diseases. Identifiers: MedGen C0950123, MeSH D030342.

Allele frequency attached by ClinVar (database versions not stated): ExAC 0.00002; TOPMed 0.00006; gnomAD exomes 0.00007; gnomAD 0.00004.
gnomAD v4.1: 104 of 1,588,222 alleles (0.0065%); highest among the groups gnomAD compares: Non-Finnish European, 0.0083%; no homozygotes.

Submissions (2):

Ambry Genetics
Classification: Uncertain significance for Inborn genetic diseases. Last evaluated: 2025-12-08. Review status: criteria provided, single submitter. Criteria: Ambry Variant Classification Scheme 2023. Collection method: clinical testing. Allele origin: germline.

Labcorp Genetics (formerly Invitae), Labcorp
Classification: Uncertain significance for Mucopolysaccharidosis, MPS-III-D. Last evaluated: 2022-08-08. Review status: criteria provided, single submitter. Criteria: Invitae Variant Classification Sherloc (09022015). Collection method: clinical testing. Allele origin: germline.
Comment: This sequence change replaces isoleucine, which is neutral and non-polar, with valine, which is neutral and non-polar, at codon 321 of the GNS protein (p.Ile321Val). This variant is present in population databases (rs771918136, gnomAD 0.007%). This variant has not been reported in the literature in individuals affected with GNS-related conditions. Algorithms developed to predict the effect of missense changes on protein structure and function are either unavailable or do not agree on the potential impact of this missense change (SIFT: "Deleterious"; PolyPhen-2: "Benign"; Align-GVGD: "Class C25"). In summary, the available evidence is currently insufficient to determine the role of this variant in disease. Therefore, it has been classified as a Variant of Uncertain Significance.